The following is an entry in ClinVar:

NM_006182.4(DDR2):c.1411T>G (p.Tyr471Asp)

Gene: DDR2 (discoidin domain receptor tyrosine kinase 2; plus strand). Cytogenetic location: 1q23.3.
Variant type: single nucleotide variant.
Coding change: c.1411T>G on transcript NM_006182.4 (MANE Select); coding-DNA position 1411, T replaced by G.
Protein change: p.Tyr471Asp; replaces tyrosine 471 with aspartic acid.
Molecular consequence: missense variant.
Genome position (GRCh38, 1-based): chr1:162,770,419, T>G. VCF-style: chr1-162770419-T-G. GRCh37 (hg19) VCF-style: chr1-162740209-T-G.
Other names: c.1411T>G (NM_006182.2); c.1411T>G, p.Tyr471Asp (NM_001014796.3, NM_001354982.2, NM_001354983.2); short protein forms Y471D.
Identifiers: ClinVar variation 1442149 (VCV001442149.7), dbSNP rs2102181193, ClinGen allele CA343411173.
Genomic context (GRCh38, chr1:162,770,419, plus strand): 5'-TCTAGCATGTTCAACAATAACCGCTCCTCATCACCTAGTGAACAAGGGTCCAACTCGACT[T>G]ACGATCGCATCTTTCCCCTTCGCCCTGACTACCAGGAGCCATCCAGGCTGATACGAAAAC-3'
Protein context (NP_006173.2, residues 461-481): SPSEQGSNST[Tyr471Asp]DRIFPLRPDY

ClinVar aggregate classification (germline): Uncertain significance. Review status: criteria provided, multiple submitters, no conflicts (2 of 4 stars). 2 submissions from 2 submitters: Uncertain significance (2). Last evaluated 2024-09-30.

Conditions:
Inborn genetic diseases. Identifiers: MedGen C0950123, MeSH D030342.

gnomAD v4.1: 1 of 1,614,052 alleles (0.000062%); no homozygotes.

Submissions (2):

Ambry Genetics
Classification: Uncertain significance for Inborn genetic diseases. Last evaluated: 2024-09-30. Review status: criteria provided, single submitter. Criteria: Ambry Variant Classification Scheme 2023. Collection method: clinical testing. Allele origin: germline.

Labcorp Genetics (formerly Invitae), Labcorp
Classification: Uncertain significance. Last evaluated: 2022-04-18. Review status: criteria provided, single submitter. Criteria: Invitae Variant Classification Sherloc (09022015). Collection method: clinical testing. Allele origin: germline.
Comment: In summary, the available evidence is currently insufficient to determine the role of this variant in disease. Therefore, it has been classified as a Variant of Uncertain Significance. Algorithms developed to predict the effect of missense changes on protein structure and function are either unavailable or do not agree on the potential impact of this missense change (SIFT: "Deleterious"; PolyPhen-2: "Possibly Damaging"; Align-GVGD: "Class C0"). This variant has not been reported in the literature in individuals affected with DDR2-related conditions. This variant is not present in population databases (gnomAD no frequency). This sequence change replaces tyrosine, which is neutral and polar, with aspartic acid, which is acidic and polar, at codon 471 of the DDR2 protein (p.Tyr471Asp).